The following is an entry in ClinVar:

NM_000179.3(MSH6):c.3159dup (p.Ile1054fs)

Gene: MSH6 (mutS homolog 6; plus strand). Cytogenetic location: 2p16.3.
Variant type: Duplication.
Coding change: c.3159dup on transcript NM_000179.3 (MANE Select); coding-DNA position 3159, one base duplicated (T; older notation c.3159dupT).
Protein change: p.Ile1054fs; shifts the reading frame from isoleucine 1054.
Molecular consequence: frameshift variant.
Genome position (GRCh38, 1-based): chr2:47,801,142, T duplicated. VCF-style (leftmost placement, unchanged base first): chr2-47801141-G-GT. GRCh37 (hg19) VCF-style: chr2-48028280-G-GT.
Other names: c.2769dup, p.Ile924fs (NM_001281492.2); c.2253dup, p.Ile752fs (NM_001281493.2, NM_001281494.2); c.3159dupT (NM_000179.2); short protein forms I1054fs, I752fs, I924fs.
Identifiers: ClinVar variation 483779 (VCV000483779.18), dbSNP rs1553414578, ClinGen allele CA658655681.

ClinVar aggregate classification (germline): Pathogenic. Review status: criteria provided, multiple submitters, no conflicts (2 of 4 stars). 4 submissions from 4 submitters: Pathogenic (4). Last evaluated 2025-09-02.

Conditions:
Hereditary nonpolyposis colorectal neoplasms. Identifiers: MedGen C0009405, MeSH D003123.
Hereditary cancer-predisposing syndrome. Also called: Neoplastic Syndromes, Hereditary; Tumor predisposition; Hereditary Cancer Syndrome; Hereditary neoplastic syndrome. Identifiers: Orphanet 140162, MedGen C0027672, MeSH D009386, MONDO:0015356.
Lynch syndrome 5 (LYNCH5). Also called: Colorectal cancer, hereditary nonpolyposis, type 5; Hereditary non-polyposis colorectal cancer, type 5. Identifiers: Orphanet 144, MedGen C1833477, MONDO:0013710, OMIM 614350. Disease mechanism: loss of function.

Submissions (4):

Ambry Genetics
Classification: Pathogenic for Hereditary cancer-predisposing syndrome. Last evaluated: 2025-09-02. Review status: criteria provided, single submitter. Criteria: Ambry Variant Classification Scheme 2023. Collection method: clinical testing. Allele origin: germline.
Comment: The c.3159dupT pathogenic mutation, located in coding exon 4 of the MSH6 gene, results from a duplication of T at nucleotide position 3159, causing a translational frameshift with a predicted alternate stop codon (p.I1054Yfs*12). This variant is considered to be rare based on population cohorts in the Genome Aggregation Database (gnomAD). This alteration is expected to result in loss of function by premature protein truncation or nonsense-mediated mRNA decay. As such, this alteration is interpreted as a disease-causing mutation.

Labcorp Genetics (formerly Invitae), Labcorp
Classification: Pathogenic for Hereditary nonpolyposis colorectal neoplasms. Last evaluated: 2025-06-01. Review status: criteria provided, single submitter. Criteria: Invitae Variant Classification Sherloc (09022015). Collection method: clinical testing. Allele origin: germline.
Comment: This sequence change creates a premature translational stop signal (p.Ile1054Tyrfs*12) in the MSH6 gene. It is expected to result in an absent or disrupted protein product. Loss-of-function variants in MSH6 are known to be pathogenic (PMID: 18269114, 24362816). This variant is not present in population databases (gnomAD no frequency). This variant has not been reported in the literature in individuals affected with MSH6-related conditions. ClinVar contains an entry for this variant (Variation ID: 483779). For these reasons, this variant has been classified as Pathogenic.

Myriad Genetics, Inc.
Classification: Pathogenic for Lynch syndrome 5. Last evaluated: 2023-08-22. Review status: criteria provided, single submitter. Criteria: Myriad Autosomal Dominant, Autosomal Recessive and X-Linked Classification Criteria (2023). Collection method: clinical testing. Allele origin: unknown.
Comment: This variant is considered pathogenic. This variant creates a frameshift predicted to result in premature protein truncation.

Color Diagnostics, LLC DBA Color Health
Classification: Pathogenic for Hereditary cancer-predisposing syndrome. Last evaluated: 2020-04-01. Review status: criteria provided, single submitter. Criteria: ACMG Guidelines, 2015. Collection method: clinical testing. Allele origin: germline.
Comment: This variant inserts 1 nucleotide in exon 4 of the MSH6 gene, creating a frameshift and premature translation stop signal. This variant is expected to result in an absent or non-functional protein product. To our knowledge, this variant has not been reported in individuals affected with hereditary cancer in the literature. This variant has not been identified in the general population by the Genome Aggregation Database (gnomAD). Loss of MSH6 function is a known mechanism of disease. Based on the available evidence, this variant is classified as Pathogenic.

Literature cited by the submitters: PubMed 18269114 (cited by Labcorp Genetics (formerly Invitae), Labcorp); PubMed 24362816 (cited by Labcorp Genetics (formerly Invitae), Labcorp).